The following is an entry in ClinVar:

ClinVar aggregate classification (germline): Uncertain significance (1 of 4 stars; one submission).

Conditions:
Multiple acyl-CoA dehydrogenase deficiency (MADD). Also called: Glutaric Acidemia type 2; Glutaric aciduria, type 2; Glutaric acidemia type II; GA 2; ETHYLMALONIC-ADIPICACIDURIA; GA II. Identifiers: Orphanet 26791, MedGen C0268596, MONDO:0009282, OMIM 231680.

gnomAD v4.1: 3 of 1,613,250 alleles (0.00019%); highest among the groups gnomAD compares: Non-Finnish European, 0.00025%; no homozygotes.

Submission:

Labcorp Genetics (formerly Invitae), Labcorp
Classification: Uncertain significance for Multiple acyl-CoA dehydrogenase deficiency. Last evaluated: 2022-06-19. Review status: criteria provided, single submitter. Criteria: Invitae Variant Classification Sherloc (09022015). Collection method: clinical testing. Allele origin: germline.
Comment: This sequence change replaces alanine, which is neutral and non-polar, with threonine, which is neutral and polar, at codon 112 of the ETFA protein (p.Ala112Thr). This variant is not present in population databases (gnomAD no frequency). This variant has not been reported in the literature in individuals affected with ETFA-related conditions. Algorithms developed to predict the effect of missense changes on protein structure and function are either unavailable or do not agree on the potential impact of this missense change (SIFT: "Tolerated"; PolyPhen-2: "Possibly Damaging"; Align-GVGD: "Class C0"). In summary, the available evidence is currently insufficient to determine the role of this variant in disease. Therefore, it has been classified as a Variant of Uncertain Significance.

NM_000126.4(ETFA):c.334G>A (p.Ala112Thr)

Gene: ETFA (electron transfer flavoprotein subunit alpha; minus strand). Cytogenetic location: 15q24.2.
Variant type: single nucleotide variant.
Coding change: c.334G>A on transcript NM_000126.4 (MANE Select); coding-DNA position 334, G replaced by A.
Protein change: p.Ala112Thr; replaces alanine 112 with threonine.
Molecular consequence: missense variant.
Genome position (GRCh38, 1-based): chr15:76,292,448, C>T on the plus strand (G>A on the coding strand, the complement: ETFA is on the minus strand). VCF-style: chr15-76292448-C-T. GRCh37 (hg19) VCF-style: chr15-76584789-C-T.
Other names: c.187G>A, p.Ala63Thr (NM_001127716.2); short protein forms A112T, A63T.
Identifiers: ClinVar variation 1937295 (VCV001937295.2), dbSNP rs766127651, ClinGen allele CA393516748.
Genomic context (GRCh38, chr15:76,292,448, plus strand): 5'-TTTCAAGCAGTGATATCAGATTCCACATTCTCAACCTTCTCACCTTTCCGAAGGCAGATG[C>T]TCCAGCACAGATGTGTGTGTAATTGAACTGCTTCTGAGTTGCCAAAATCAATGGTGTCAG-3'
Protein context (NP_000117.1, residues 102-122): QFNYTHICAG[Ala112Thr]SAFGKNLLPR